The following is an entry in ClinVar:

ClinVar aggregate classification (germline): Likely pathogenic (1 of 4 stars; one submission).

Submission:

Labcorp Genetics (formerly Invitae), Labcorp
Classification: Likely pathogenic. Last evaluated: 2021-12-12. Review status: criteria provided, single submitter. Criteria: Invitae Variant Classification Sherloc (09022015). Collection method: clinical testing. Allele origin: germline.
Comment: This sequence change affects an acceptor splice site in intron 26 of the MYO7A gene. It is expected to disrupt RNA splicing. Variants that disrupt the donor or acceptor splice site typically lead to a loss of protein function (PMID: 16199547), and loss-of-function variants in MYO7A are known to be pathogenic (PMID: 8900236, 25404053). This variant is not present in population databases (gnomAD no frequency). Disruption of this splice site has been observed in individual(s) with Usher syndrome (PMID: 25468891). Algorithms developed to predict the effect of sequence changes on RNA splicing suggest that this variant may disrupt the consensus splice site. In summary, the currently available evidence indicates that the variant is pathogenic, but additional data are needed to prove that conclusively. Therefore, this variant has been classified as Likely Pathogenic.

Literature cited by the submitters: PubMed 16199547; PubMed 8900236; PubMed 25404053; PubMed 25468891.

NM_000260.4(MYO7A):c.3376-1G>A

Gene: MYO7A (myosin VIIA; plus strand). Cytogenetic location: 11q13.5.
Variant type: single nucleotide variant.
Coding change: c.3376-1G>A on transcript NM_000260.4 (MANE Select); the canonical splice acceptor site of the intron before coding-DNA position 3376, G replaced by A.
Molecular consequence: splice acceptor variant.
Genome position (GRCh38, 1-based): chr11:77,184,587, G>A. VCF-style: chr11-77184587-G-A. GRCh37 (hg19) VCF-style: chr11-76895632-G-A.
Other names: c.3343-1G>A (NM_001369365.1); c.3376-1G>A (NM_001127180.2).
Identifiers: ClinVar variation 1480338 (VCV001480338.6), dbSNP rs2135517143, ClinGen allele CA381945870.